The following is an entry in ClinVar:

ClinVar aggregate classification (germline): Uncertain significance. Review status: criteria provided, multiple submitters, no conflicts (2 of 4 stars). 2 submissions from 2 submitters: Uncertain significance (2). Last evaluated 2024-09-18.

Submissions (2):

Blueprint Genetics
Classification: Uncertain significance. Last evaluated: 2024-09-18. Review status: criteria provided, single submitter. Criteria: ACMG Guidelines, 2015. Collection method: clinical testing. Allele origin: germline.

Labcorp Genetics (formerly Invitae), Labcorp
Classification: Uncertain significance. Last evaluated: 2022-02-03. Review status: criteria provided, single submitter. Criteria: Invitae Variant Classification Sherloc (09022015). Collection method: clinical testing. Allele origin: germline.
Comment: In summary, the available evidence is currently insufficient to determine the role of this variant in disease. Therefore, it has been classified as a Variant of Uncertain Significance. This variant has not been reported in the literature in individuals affected with OBSL1-related conditions. The frequency data for this variant in the population databases is considered unreliable, as metrics indicate poor data quality at this position in the gnomAD database. This sequence change creates a premature translational stop signal (p.Gly1837Alafs*57) in the OBSL1 gene. While this is not anticipated to result in nonsense mediated decay, it is expected to disrupt the last 60 amino acid(s) of the OBSL1 protein.

NM_015311.3(OBSL1):c.5510del (p.Gly1837fs)

Gene: OBSL1 (obscurin like cytoskeletal adaptor 1; minus strand). Cytogenetic location: 2q35.
Variant type: Deletion.
Coding change: c.5510del on transcript NM_015311.3 (MANE Select); coding-DNA position 5510, one base deleted (G; older notation c.5510delG).
Protein change: p.Gly1837fs; shifts the reading frame from glycine 1837.
Molecular consequence: frameshift variant.
Genome position (GRCh38, 1-based): chr2:219,551,702, C deleted on the plus strand (G on the coding strand, the reverse complement: OBSL1 is on the minus strand); the first of 6 consecutive C bases (chr2:219,551,702-219,551,707); deleting any one gives the same sequence. VCF-style (leftmost placement, unchanged base first): chr2-219551701-GC-G. GRCh37 (hg19) VCF-style: chr2-220416423-GC-G.
Other names: short protein forms G1837fs.
Identifiers: ClinVar variation 1398527 (VCV001398527.8), dbSNP rs755333275, ClinGen allele CA2130199.